The following is an entry in ClinVar:

ClinVar aggregate classification (germline): Pathogenic (1 of 4 stars; one submission).

Conditions:
Neuronal ceroid lipofuscinosis. Also called: Neuronal Ceroid Lipofuscinoses. Identifiers: Orphanet 216, Orphanet 79263, MedGen C0027877, MONDO:0016295. Disease mechanism: loss of function.

Submission:

Labcorp Genetics (formerly Invitae), Labcorp
Classification: Pathogenic for Neuronal ceroid lipofuscinosis. Last evaluated: 2023-12-14. Review status: criteria provided, single submitter. Criteria: Invitae Variant Classification Sherloc (09022015). Collection method: clinical testing. Allele origin: germline.
Comment: This sequence change creates a premature translational stop signal (p.Gly201Alafs*36) in the CLN3 gene. It is expected to result in an absent or disrupted protein product. Loss-of-function variants in CLN3 are known to be pathogenic (PMID: 9311735, 28542676). This variant is not present in population databases (gnomAD no frequency). This variant has not been reported in the literature in individuals affected with CLN3-related conditions. For these reasons, this variant has been classified as Pathogenic.

Literature cited by the submitters: PubMed 9311735; PubMed 28542676.

NM_001042432.2(CLN3):c.598_601dup (p.Gly201fs)

Gene: CLN3 (CLN3 lysosomal/endosomal transmembrane protein, battenin; minus strand). Cytogenetic location: 16p12.1.
Variant type: Duplication.
Coding change: c.598_601dup on transcript NM_001042432.2 (MANE Select); coding-DNA positions 598 to 601, 4 bases duplicated (CTGG; older notation c.598_601dupCTGG).
Protein change: p.Gly201fs; shifts the reading frame from glycine 201.
Molecular consequence: frameshift variant.
Genome position (GRCh38, 1-based): chr16:28,486,423-28,486,426, CCAG duplicated on the plus strand (CTGG on the coding strand, the reverse complement: CLN3 is on the minus strand). VCF-style (leftmost placement, unchanged base first): chr16-28486422-C-CCCAG. GRCh37 (hg19) VCF-style: chr16-28497743-C-CCCAG.
Other names: c.598_601dup, p.Gly201fs (NM_000086.2); c.526_529dup, p.Gly177fs (NM_001286104.2); c.298_301dup, p.Gly101fs (NM_001286105.2); c.364_367dup, p.Gly123fs (NM_001286109.2); c.436_439dup, p.Gly147fs (NM_001286110.2); short protein forms G177fs, G101fs, G123fs, G147fs, G201fs.
Identifiers: ClinVar variation 2906385 (VCV002906385.3), dbSNP rs2506482195, ClinGen allele CA2739266696.